The following is an entry in ClinVar:

ClinVar aggregate classification (germline): Uncertain significance (1 of 4 stars; one submission).

Conditions:
Corneal dystrophy, Fuchs endothelial, 4 (FECD4). Identifiers: Orphanet 98974, MedGen C2750450, MONDO:0013204, OMIM 613268.

Allele frequency attached by ClinVar (database versions not stated): gnomAD exomes below 0.00001.
gnomAD v4.1: 2 of 1,476,790 alleles (0.00014%); highest among the groups gnomAD compares: East Asian, 0.003%; no homozygotes.

Submission:

Baylor Genetics
Classification: Uncertain significance for Corneal dystrophy, Fuchs endothelial, 4. Last evaluated: 2020-02-12. Review status: criteria provided, single submitter. Criteria: ACMG Guidelines, 2015. Collection method: clinical testing. Allele origin: unknown. Affected: yes.
Comment: This variant was determined to be of uncertain significance according to ACMG Guidelines, 2015 [PMID:25741868].

NM_001174089.2(SLC4A11):c.20G>T (p.Arg7Leu)

Genes: SLC4A11 (solute carrier family 4 member 11; minus strand), LOC130065323 (ATAC-STARR-seq lymphoblastoid silent region 12616; plus strand). Cytogenetic location: 20p13.
Variant type: single nucleotide variant.
Coding change: c.20G>T on transcript NM_001174089.2 (MANE Select); coding-DNA position 20, G replaced by T.
Protein change: p.Arg7Leu; replaces arginine 7 with leucine.
Molecular consequence: missense variant. On other transcripts: non-coding transcript variant (1).
Genome position (GRCh38, 1-based): chr20:3,239,118, C>A on the plus strand (G>T on the coding strand, the complement: SLC4A11 is on the minus strand). VCF-style: chr20-3239118-C-A. GRCh37 (hg19) VCF-style: chr20-3219764-C-A.
Other names: c.20G>T, p.Arg7Leu (NM_001363745.2); short protein forms R7L.
Identifiers: ClinVar variation 1030273 (VCV001030273.1), dbSNP rs2068078358, ClinGen allele CA408065798.